The following is an entry in ClinVar:

ClinVar aggregate classification (germline): Benign. Review status: criteria provided, multiple submitters, no conflicts (2 of 4 stars). 4 submissions from 4 submitters: Benign (4). Last evaluated 2018-01-13.

Conditions:
Biotin-responsive basal ganglia disease (BTBGD). Also called: Thiamine metabolism dysfunction syndrome 2 (biotin- or thiamine-responsive encephalopathy type 2); thiamine-responsive encephalopathy; THIAMINE METABOLISM DYSFUNCTION SYNDROME 2 (BIOTIN- AND THIAMINE-RESPONSIVE TYPE); Thiamine metabolism dysfunction syndrome type 2; Thiamine Transporter-2 Deficiency. Identifiers: Orphanet 199348, Orphanet 65284, MedGen C1843807, MONDO:0011841, OMIM 607483.

Allele frequency attached by ClinVar (database versions not stated): ESP Exome Variant Server 0.04436; gnomAD exomes 0.01206 and 0.01529; ExAC 0.01783; gnomAD 0.03738 and 0.03969; 1000 Genomes Project 0.03934; TOPMed 0.04240; 1000 Genomes Project 30x 0.04403.
gnomAD v4.1: 23,471 of 1,613,316 alleles (1.5%); highest among the groups gnomAD compares: African/African-American, 11%; 588 homozygotes.

Submissions (4):

Illumina Laboratory Services, Illumina
Classification: Benign for Biotin-responsive basal ganglia disease. Last evaluated: 2018-01-13. Review status: criteria provided, single submitter. Criteria: ICSL Variant Classification Criteria 13 December 2019. Collection method: clinical testing. Allele origin: germline.
Comment: This variant was observed in the ICSL laboratory as part of a predisposition screen in an ostensibly healthy population. It had not been previously curated by ICSL or reported in the Human Gene Mutation Database (HGMD: prior to June 1st, 2018), and was therefore a candidate for classification through an automated scoring system. Utilizing variant allele frequency, disease prevalence and penetrance estimates, and inheritance mode, an automated score was calculated to assess if this variant is too frequent to cause the disease. Based on the score and internal cut-off values, a variant classified as benign is not then subjected to further curation. The score for this variant resulted in a classification of benign for this disease.

GeneDx
Classification: Benign. Last evaluated: 2013-10-28. Review status: criteria provided, single submitter. Criteria: GeneDx Variant Classification (06012015). Collection method: clinical testing. Allele origin: germline. Affected: yes.
Comment: This variant is considered likely benign or benign based on one or more of the following criteria: it is a conservative change, it occurs at a poorly conserved position in the protein, it is predicted to be benign by multiple in silico algorithms, and/or has population frequency not consistent with disease.

Breakthrough Genomics
Classification: Benign. Review status: criteria provided, single submitter. Criteria: ACMG Guidelines, 2015. Collection method: not provided. Allele origin: germline. Inheritance: Autosomal recessive inheritance. Affected: yes.

PreventionGenetics, part of Exact Sciences
Classification: Benign. Review status: criteria provided, single submitter. Criteria: ACMG Guidelines, 2015. Collection method: clinical testing. Allele origin: germline.

NM_025243.4(SLC19A3):c.-2-10A>G

Gene: SLC19A3 (solute carrier family 19 member 3; minus strand). Cytogenetic location: 2q36.3.
Variant type: single nucleotide variant.
Coding change: c.-2-10A>G on transcript NM_025243.4 (MANE Select); 10 bases into the intron before 2 bases upstream of the start codon, A replaced by G.
Molecular consequence: intron variant.
Genome position (GRCh38, 1-based): chr2:227,702,330, T>C on the plus strand (A>G on the coding strand, the complement: SLC19A3 is on the minus strand). VCF-style: chr2-227702330-T-C. GRCh37 (hg19) VCF-style: chr2-228567046-T-C.
Identifiers: ClinVar variation 139122 (VCV000139122.7), dbSNP rs6728344, ClinGen allele CA293495.
Genomic context (GRCh38, chr2:227,702,330, plus strand): 5'-CAGTGGGGTAAATCCAGGAACTGCTTAGTGAAGTTCTGTAACAATCCATGGCTGATCAAA[T>C]GGAAACAAAGAGAAAATTAAGTGATGCTTATTCTTTTTAGCATCCTTGATGCGATGAAAA-3'